The following is an entry in ClinVar:

ClinVar aggregate classification (germline): Conflicting classifications of pathogenicity. Review status: criteria provided, conflicting classifications (1 of 4 stars). 2 submissions from 2 submitters: Likely pathogenic (1); Uncertain significance (1). Last evaluated 2024-05-04.

Conditions:
RPGR-related disorder. Also called: RPGR-related condition.
Primary ciliary dyskinesia. Also called: Ciliary dyskinesia. Identifiers: Orphanet 244, MedGen C0008780, MONDO:0016575, HP:0012265.

Submissions (2):

Labcorp Genetics (formerly Invitae), Labcorp
Classification: Uncertain significance for Primary ciliary dyskinesia. Last evaluated: 2024-05-04. Review status: criteria provided, single submitter. Criteria: Invitae Variant Classification Sherloc (09022015). Collection method: clinical testing. Allele origin: germline.
Comment: This sequence change replaces glutamine, which is neutral and polar, with proline, which is neutral and non-polar, at codon 118 of the RPGR protein (p.Gln118Pro). This variant is not present in population databases (gnomAD no frequency). This variant has not been reported in the literature in individuals affected with RPGR-related conditions. ClinVar contains an entry for this variant (Variation ID: 1937041). Advanced modeling of protein sequence and biophysical properties (such as structural, functional, and spatial information, amino acid conservation, physicochemical variation, residue mobility, and thermodynamic stability) performed at Invitae indicates that this missense variant is expected to disrupt RPGR protein function with a positive predictive value of 95%. In summary, the available evidence is currently insufficient to determine the role of this variant in disease. Therefore, it has been classified as a Variant of Uncertain Significance.

Blueprint Genetics
Classification: Likely pathogenic for RPGR-related disorders. Last evaluated: 2021-08-26. Review status: criteria provided, single submitter. Criteria: ACMG Guidelines, 2015. Collection method: clinical testing. Allele origin: germline. Affected: yes. Observed: 4 variant alleles.

NM_001034853.2(RPGR):c.353A>C (p.Gln118Pro)

Gene: RPGR (retinitis pigmentosa GTPase regulator; minus strand). Cytogenetic location: Xp11.4.
Variant type: single nucleotide variant.
Coding change: c.353A>C on transcript NM_001034853.2 (MANE Select); coding-DNA position 353, A replaced by C.
Protein change: p.Gln118Pro; replaces glutamine 118 with proline.
Molecular consequence: missense variant. On other transcripts: non-coding transcript variant (6).
Genome position (GRCh38, 1-based): chrX:38,318,945, T>G on the plus strand (A>C on the coding strand, the complement: RPGR is on the minus strand). VCF-style: chrX-38318945-T-G. GRCh37 (hg19) VCF-style: chrX-38178198-T-G.
Other names: c.353A>C, p.Gln118Pro (NM_001367250.1, NM_001367251.1, NM_000328.3 and 3 more transcripts); c.383A>C, p.Gln128Pro (NM_001367248.1); c.350A>C, p.Gln117Pro (NM_001367249.1); short protein forms Q118P, Q117P, Q128P.
Identifiers: ClinVar variation 1937041 (VCV001937041.6), dbSNP rs2519895122, ClinGen allele CA412745243.